The following is an entry in ClinVar:

NM_001849.4(COL6A2):c.1584C>T (p.Gly528=)

Gene: COL6A2 (collagen type VI alpha 2 chain; plus strand). Cytogenetic location: 21q22.3.
Variant type: single nucleotide variant.
Coding change: c.1584C>T on transcript NM_001849.4 (MANE Select); coding-DNA position 1584, C replaced by T.
Protein change: p.Gly528=; no amino-acid change (glycine 528 retained).
Molecular consequence: synonymous variant.
Genome position (GRCh38, 1-based): chr21:46,122,507, C>T. VCF-style: chr21-46122507-C-T. GRCh37 (hg19) VCF-style: chr21-47542421-C-T.
Other names: c.1584C>T, p.Gly528= (NM_058174.3, NM_058175.3).
Identifiers: ClinVar variation 2980877 (VCV002980877.3), dbSNP rs566854019, ClinGen allele CA10072008.

ClinVar aggregate classification (germline): Uncertain significance (1 of 4 stars; one submission).

Conditions:
Bethlem myopathy 1A. Also called: MYOPATHY, BENIGN CONGENITAL, WITH CONTRACTURES; Bethlem myopathy 1; Bethlem Muscular Dystrophy. Identifiers: Orphanet 610, MedGen CN029274, MONDO:0024530, OMIM 158810.

Allele frequency attached by ClinVar (database versions not stated): TOPMed 0.00001.
gnomAD v4.1: 19 of 1,612,772 alleles (0.0012%); highest among the groups gnomAD compares: African/African-American, 0.0027%; no homozygotes.

Submission:

Labcorp Genetics (formerly Invitae), Labcorp
Classification: Uncertain significance for Bethlem myopathy 1A. Last evaluated: 2025-07-09. Review status: criteria provided, single submitter. Criteria: Invitae Variant Classification Sherloc (09022015). Collection method: clinical testing. Allele origin: germline.
Comment: This sequence change affects codon 528 of the COL6A2 mRNA. It is a 'silent' change, meaning that it does not change the encoded amino acid sequence of the COL6A2 protein. This variant is present in population databases (rs566854019, gnomAD 0.007%). This variant has not been reported in the literature in individuals affected with COL6A2-related conditions. ClinVar contains an entry for this variant (Variation ID: 2980877). Algorithms developed to predict the effect of sequence changes on RNA splicing suggest that this variant may disrupt the consensus splice site. In summary, the available evidence is currently insufficient to determine the role of this variant in disease. Therefore, it has been classified as a Variant of Uncertain Significance.